The following is an entry in ClinVar:

ClinVar aggregate classification (germline): Uncertain significance (1 of 4 stars; one submission).

Conditions:
Hereditary cancer-predisposing syndrome. Also called: Neoplastic Syndromes, Hereditary; Tumor predisposition; Hereditary neoplastic syndrome; Hereditary Cancer Syndrome. Identifiers: Orphanet 140162, MedGen C0027672, MeSH D009386, MONDO:0015356.

Submission:

Ambry Genetics
Classification: Uncertain significance for Hereditary cancer-predisposing syndrome. Last evaluated: 2022-12-01. Review status: criteria provided, single submitter. Criteria: Ambry Variant Classification Scheme 2023. Collection method: clinical testing. Allele origin: germline.
Comment: The p.L353H variant (also known as c.1058T>A), located in coding exon 10 of the TSC2 gene, results from a T to A substitution at nucleotide position 1058. The leucine at codon 353 is replaced by histidine, an amino acid with similar properties. This amino acid position is conserved. In addition, this alteration is predicted to be deleterious by in silico analysis. Since supporting evidence is limited at this time, the clinical significance of this alteration remains unclear.

NM_000548.5(TSC2):c.1058T>A (p.Leu353His)

Gene: TSC2 (TSC complex subunit 2; plus strand). Cytogenetic location: 16p13.3.
Variant type: single nucleotide variant.
Coding change: c.1058T>A on transcript NM_000548.5 (MANE Select); coding-DNA position 1058, T replaced by A.
Protein change: p.Leu353His; replaces leucine 353 with histidine.
Molecular consequence: missense variant. On other transcripts: 5 prime UTR variant (10), non-coding transcript variant (5).
Genome position (GRCh38, 1-based): chr16:2,060,752, T>A. VCF-style: chr16-2060752-T-A. GRCh37 (hg19) VCF-style: chr16-2110753-T-A.
Other names: c.1058T>A, p.Leu353His (NM_001077183.3, NM_001114382.3, NM_001363528.2 and 6 more transcripts); c.947T>A, p.Leu316His (NM_001318827.2, NM_001406670.1, NM_001406678.1); c.911T>A, p.Leu304His (NM_001318829.2, NM_001406675.1, NM_001406676.1 and 1 more transcripts); c.458T>A, p.Leu153His (NM_001318831.2, NM_001406680.1, NM_001406682.1 and 6 more transcripts); c.1091T>A, p.Leu364His (NM_001318832.2); c.1148T>A, p.Leu383His (NM_001406667.1, NM_001406668.1); c.1046T>A, p.Leu349His (NM_001406671.1, NM_001406673.1); c.1001T>A, p.Leu334His (NM_001406677.1); and 4 more; short protein forms L199H, L304H, L153H, L316H, L383H, L334H, L349H, L353H.
Identifiers: ClinVar variation 2449965 (VCV002449965.2), dbSNP rs2151137215, ClinGen allele CA394317883.
Genomic context (GRCh38, chr16:2,060,752, plus strand): 5'-TGGTGTCCTATGAGATCGTCCTGTCCATCACCAGGCTCATCAAGAAGTATAGGAAGGAGC[T>A]CCAGGTGGTGGCGTGGGACATTCTGCTGAACATCATCGAACGGCTCCTTCAGCAGCTCCA-3'
Protein context (NP_000539.2, residues 343-363): TRLIKKYRKE[Leu353His]QVVAWDILLN